The following is an entry in ClinVar:

NM_001003722.2(GLE1):c.1279dup (p.Thr427fs)

Gene: GLE1 (GLE1 RNA export mediator; plus strand). Cytogenetic location: 9q34.11.
Variant type: Duplication.
Coding change: c.1279dup on transcript NM_001003722.2 (MANE Select); coding-DNA position 1279, one base duplicated (A; older notation c.1279dupA).
Protein change: p.Thr427fs; shifts the reading frame from threonine 427.
Molecular consequence: frameshift variant.
Genome position (GRCh38, 1-based): chr9:128,527,492, A duplicated. VCF-style (leftmost placement, unchanged base first): chr9-128527491-T-TA. GRCh37 (hg19) VCF-style: chr9-131289770-T-TA.
Other names: c.1279dup, p.Thr427fs (NM_001499.2); short protein forms T427fs.
Identifiers: ClinVar variation 1455208 (VCV001455208.6), dbSNP rs2132474184, ClinGen allele CA2573144026.

ClinVar aggregate classification (germline): Pathogenic (1 of 4 stars; one submission).

Submission:

Labcorp Genetics (formerly Invitae), Labcorp
Classification: Pathogenic. Last evaluated: 2021-08-18. Review status: criteria provided, single submitter. Criteria: Invitae Variant Classification Sherloc (09022015). Collection method: clinical testing. Allele origin: germline.
Comment: For these reasons, this variant has been classified as Pathogenic. This variant has not been reported in the literature in individuals affected with GLE1-related conditions. This variant is not present in population databases (ExAC no frequency). This sequence change creates a premature translational stop signal (p.Thr427Asnfs*20) in the GLE1 gene. It is expected to result in an absent or disrupted protein product. Loss-of-function variants in GLE1 are known to be pathogenic (PMID: 18204449, 24243016, 27684565).

Literature cited by the submitters: PubMed 18204449; PubMed 24243016; PubMed 27684565.